The following is an entry in ClinVar:

NM_005026.5(PIK3CD):c.1549C>T (p.Arg517Trp)

Gene: PIK3CD (phosphatidylinositol-4,5-bisphosphate 3-kinase catalytic subunit delta; plus strand). Cytogenetic location: 1p36.22.
Variant type: single nucleotide variant.
Coding change: c.1549C>T on transcript NM_005026.5 (MANE Select); coding-DNA position 1549, C replaced by T.
Protein change: p.Arg517Trp; replaces arginine 517 with tryptophan.
Molecular consequence: missense variant.
Genome position (GRCh38, 1-based): chr1:9,720,769, C>T. VCF-style: chr1-9720769-C-T. GRCh37 (hg19) VCF-style: chr1-9780827-C-T.
Other names: c.1546C>T, p.Arg516Trp (NM_001350234.2); c.1462C>T, p.Arg488Trp (NM_001350235.1); short protein forms R516W, R517W, R488W.
Identifiers: ClinVar variation 2961982 (VCV002961982.3), dbSNP rs991423011, ClinGen allele CA17780242.

ClinVar aggregate classification (germline): Uncertain significance (1 of 4 stars; one submission).

Conditions:
Immunodeficiency 14 (IMD14A). Also called: ACTIVATED PI3K-DELTA SYNDROME 1; p110-DELTA-ACTIVATING MUTATION CAUSING SENESCENT T CELLS, LYMPHADENOPATHY, AND IMMUNODEFICIENCY; Activated PI3K Delta Syndrome Type 1 (APDS1); IMMUNODEFICIENCY 14A WITH LYMPHOPROLIFERATION, AUTOSOMAL DOMINANT. Identifiers: Orphanet 397596, Orphanet 693661, MedGen C5907821, MONDO:0014222, OMIM 615513.

Allele frequency attached by ClinVar (database versions not stated): gnomAD exomes 0.00001.
gnomAD v4.1: 3 of 1,612,578 alleles (0.00019%); highest among the groups gnomAD compares: Non-Finnish European, 0.00017%; no homozygotes.

Submission:

Labcorp Genetics (formerly Invitae), Labcorp
Classification: Uncertain significance for Activated PI3K-delta syndrome. Last evaluated: 2023-02-14. Review status: criteria provided, single submitter. Criteria: Invitae Variant Classification Sherloc (09022015). Collection method: clinical testing. Allele origin: germline.
Comment: This sequence change replaces arginine, which is basic and polar, with tryptophan, which is neutral and slightly polar, at codon 517 of the PIK3CD protein (p.Arg517Trp). This variant is not present in population databases (gnomAD no frequency). This variant has not been reported in the literature in individuals affected with PIK3CD-related conditions. Advanced modeling of protein sequence and biophysical properties (such as structural, functional, and spatial information, amino acid conservation, physicochemical variation, residue mobility, and thermodynamic stability) performed at Invitae indicates that this missense variant is expected to disrupt PIK3CD protein function. In summary, the available evidence is currently insufficient to determine the role of this variant in disease. Therefore, it has been classified as a Variant of Uncertain Significance.